The following is an entry in ClinVar:

ClinVar aggregate classification (germline): Uncertain significance. Review status: criteria provided, multiple submitters, no conflicts (2 of 4 stars). 4 submissions from 4 submitters: Uncertain significance (4). Last evaluated 2025-11-13.

Conditions:
Ehlers-Danlos syndrome, classic type, 1 (EDSCL1). Also called: EDS I; EHLERS-DANLOS SYNDROME, GRAVIS TYPE; Ehlers-Danlos syndrome, type 1; Ehlers-Danlos Syndrome, Classic Type, COL5A1-Related; EHLERS-DANLOS SYNDROME, SEVERE CLASSIC TYPE. Identifiers: MedGen C0268335, MONDO:0019567, OMIM 130000.
Familial thoracic aortic aneurysm and aortic dissection (TAAD). Also called: Thoracic aortic aneurysms and dissections. Identifiers: Orphanet 91387, MedGen C4707243, MONDO:0019625.

Allele frequency attached by ClinVar (database versions not stated): gnomAD below 0.00001 and 0.00001; TOPMed below 0.00001; gnomAD exomes 0.00001.
gnomAD v4.1: 20 of 1,613,960 alleles (0.0012%); highest among the groups gnomAD compares: South Asian, 0.0044%; no homozygotes.

Submissions (4):

Women's Health and Genetics/Laboratory Corporation of America, LabCorp
Classification: Uncertain significance. Last evaluated: 2025-11-13. Review status: criteria provided, single submitter. Criteria: LabCorp Variant Classification Summary - May 2015. Collection method: clinical testing. Allele origin: germline.
Comment: Variant summary: COL5A1 c.2842C>T (p.Arg948Trp) results in a non-conservative amino acid change in the encoded protein sequence. Algorithms developed to predict the effect of missense changes on protein structure and function are either unavailable or do not agree on the potential impact of this missense change. Several computational tools predict a significant impact on normal splicing: Two predict the variant strengthens a cryptic 5' donor site. One predicts the variant creates a cryptic 5' donor site. However, these predictions have yet to be confirmed by functional studies. The variant allele was found at a frequency of 8e-06 in 251330 control chromosomes (gnomAD). The available data on variant occurrences in the general population are insufficient to allow any conclusion about variant significance. c.2842C>T has been observed in one individual affected with Aortic dissection (Chen_2021). The report does not provide unequivocal conclusions about association of the variant with Ehlers-Danlos Syndrome, Classic Type, 1. To our knowledge, no experimental evidence demonstrating an impact on protein function has been reported. The following publication have been ascertained in the context of this evaluation (PMID: 34041919). ClinVar contains an entry for this variant (Variation ID: 519646). Based on the evidence outlined above, the variant was classified as uncertain significance.

Labcorp Genetics (formerly Invitae), Labcorp
Classification: Uncertain significance for Ehlers-Danlos syndrome, classic type, 1. Last evaluated: 2024-07-03. Review status: criteria provided, single submitter. Criteria: Invitae Variant Classification Sherloc (09022015). Collection method: clinical testing. Allele origin: germline.
Comment: This sequence change replaces arginine, which is basic and polar, with tryptophan, which is neutral and slightly polar, at codon 948 of the COL5A1 protein (p.Arg948Trp). This variant is present in population databases (no rsID available, gnomAD 0.003%). This missense change has been observed in individual(s) with aortic dissection (PMID: 34041919). ClinVar contains an entry for this variant (Variation ID: 519646). Experimental studies and prediction algorithms are not available or were not evaluated, and the functional significance of this variant is currently unknown. In summary, the available evidence is currently insufficient to determine the role of this variant in disease. Therefore, it has been classified as a Variant of Uncertain Significance.

Blueprint Genetics
Classification: Uncertain significance. Last evaluated: 2018-12-31. Review status: criteria provided, single submitter. Criteria: ACMG Guidelines, 2015. Collection method: clinical testing. Allele origin: germline.

Ambry Genetics
Classification: Uncertain significance for Familial thoracic aortic aneurysm and aortic dissection. Last evaluated: 2017-03-07. Review status: criteria provided, single submitter. Criteria: Ambry Variant Classification Scheme 2023. Collection method: clinical testing. Allele origin: germline.
Comment: The p.R948W variant (also known as c.2842C>T), located in coding exon 35 of the COL5A1 gene, results from a C to T substitution at nucleotide position 2842. The arginine at codon 948 is replaced by tryptophan, an amino acid with dissimilar properties. This alteration has been identified in a single individual in a cohort of patients with sporadic aortic dissection; however, clinical details were limited (Li Z et al. Sci China Life Sci, 2017 Jan;60:57-65). This amino acid position is highly conserved in available vertebrate species. In addition, the in silico prediction for this alteration is inconclusive. Since supporting evidence is limited at this time, the clinical significance of this alteration remains unclear.

Literature cited by the submitters: PubMed 34041919 (cited by Women's Health and Genetics/Laboratory Corporation of America, LabCorp and Labcorp Genetics (formerly Invitae), Labcorp); PubMed 27975164 (cited by Ambry Genetics).

NM_000093.5(COL5A1):c.2842C>T (p.Arg948Trp)

Gene: COL5A1 (collagen type V alpha 1 chain; plus strand). Cytogenetic location: 9q34.3.
Variant type: single nucleotide variant.
Coding change: c.2842C>T on transcript NM_000093.5 (MANE Select); coding-DNA position 2842, C replaced by T.
Protein change: p.Arg948Trp; replaces arginine 948 with tryptophan.
Molecular consequence: missense variant.
Genome position (GRCh38, 1-based): chr9:134,796,416, C>T. VCF-style: chr9-134796416-C-T. GRCh37 (hg19) VCF-style: chr9-137688262-C-T.
Other names: c.2842C>T, p.Arg948Trp (NM_001278074.1); short protein forms R948W.
Identifiers: ClinVar variation 519646 (VCV000519646.10), dbSNP rs1030105888, ClinGen allele CA201109012.